The following is an entry in ClinVar:

ClinVar aggregate classification (germline): Likely benign. Review status: criteria provided, multiple submitters, no conflicts (2 of 4 stars). 2 submissions from 2 submitters: Likely benign (2). Last evaluated 2026-02-19.

Conditions:
Thrombocytopenia 1. Also called: X-Linked Thrombocytopenia (XLT); THROMBOCYTOPENIA, X-LINKED, 1; X-linked thrombocytopenia with normal platelets. Identifiers: Orphanet 268322, Orphanet 852, MedGen C1839163, MONDO:0010743, OMIM 313900.
Wiskott-Aldrich syndrome (WAS). Also called: ALDRICH SYNDROME; IMMUNODEFICIENCY 2; WISKOTT-ALDRICH SYNDROME 1; Wiskott-aldrich syndrome, somatic. Identifiers: Orphanet 906, MedGen C0043194, MONDO:0010518, OMIM 301000.
X-linked severe congenital neutropenia (SCNX). Identifiers: Orphanet 86788, MedGen C1845987, MONDO:0010294, OMIM 300299.

Submissions (2):

Women's Health and Genetics/Laboratory Corporation of America, LabCorp
Classification: Likely benign. Last evaluated: 2026-02-19. Review status: criteria provided, single submitter. Criteria: LabCorp Variant Classification Summary - May 2015. Collection method: clinical testing. Allele origin: germline.
Comment: Variant summary: WAS c.273+9_273+11dupCCC alters a nucleotide located at a position not widely known to affect splicing. Consensus agreement among computation tools predict no significant impact on normal splicing. However, these predictions have yet to be confirmed by functional studies. The variant allele was found at a frequency of 5e-06 in 1194931 control chromosomes. The available data on variant occurrences in the general population are insufficient to allow any conclusion about variant significance. To our knowledge, no occurrence of c.273+9_273+11dupCCC in individuals affected with WAS-related conditions and no experimental evidence demonstrating its impact on protein function have been reported. ClinVar contains an entry for this variant (Variation ID: 2148676). Based on the evidence outlined above, the variant was classified as likely benign.

Labcorp Genetics (formerly Invitae), Labcorp
Classification: Likely benign for Wiskott-Aldrich syndrome; X-linked severe congenital neutropenia; Thrombocytopenia 1. Last evaluated: 2025-12-20. Review status: criteria provided, single submitter. Criteria: Invitae Variant Classification Sherloc (09022015). Collection method: clinical testing. Allele origin: germline.

NM_000377.3(WAS):c.273+9_273+11dup

Gene: WAS (WASP actin nucleation promoting factor; plus strand). Cytogenetic location: Xp11.23.
Variant type: Duplication.
Coding change: c.273+9_273+11dup on transcript NM_000377.3 (MANE Select); bases 9 to 11 of the intron after coding-DNA position 273, 3 bases duplicated (CCC; older notation c.273+9_273+11dupCCC).
Molecular consequence: intron variant.
Genome position (GRCh38, 1-based): chrX:48,684,432-48,684,434, CCC duplicated; duplicating any 3 consecutive bases within chrX:48,684,428-48,684,434 gives the same sequence; the c. name uses the placement nearest the transcript's 3' end. VCF-style (leftmost placement, unchanged base first): chrX-48684427-A-ACCC. GRCh37 (hg19) VCF-style: chrX-48542816-A-ACCC.
Other names: c.273+9_273+11dupCCC (NM_000377.3).
Identifiers: ClinVar variation 2148676 (VCV002148676.5), dbSNP rs58371799, ClinGen allele CA641510816.
Genomic context (GRCh38, chrX:48,684,427, plus strand): 5'-TGCTTCGTGAAGGATAACCCCCAGAAGTCCTACTTCATCCGCCTTTACGGCCTTCAGGTG[A>ACCC]CCCCCCCACCCCCGACTGGACTTGCAAGCCAGTTCTCAACCCGCAAACCCAGATCTGTGT-3'